The following is an entry in ClinVar:

NM_021076.4(NEFH):c.794G>A (p.Cys265Tyr)

Gene: NEFH (neurofilament heavy chain; plus strand). Cytogenetic location: 22q12.2.
Variant type: single nucleotide variant.
Coding change: c.794G>A on transcript NM_021076.4 (MANE Select); coding-DNA position 794, G replaced by A.
Protein change: p.Cys265Tyr; replaces cysteine 265 with tyrosine.
Molecular consequence: missense variant.
Genome position (GRCh38, 1-based): chr22:29,481,056, G>A. VCF-style: chr22-29481056-G-A. GRCh37 (hg19) VCF-style: chr22-29877045-G-A.
Other names: short protein forms C265Y.
Identifiers: ClinVar variation 1936428 (VCV001936428.5), dbSNP rs919529699, ClinGen allele CA323083182.

ClinVar aggregate classification (germline): Uncertain significance (1 of 4 stars; one submission).

Allele frequency attached by ClinVar (database versions not stated): gnomAD exomes below 0.00001; gnomAD 0.00002; TOPMed 0.00002.
gnomAD v4.1: 7 of 1,531,892 alleles (0.00046%); highest among the groups gnomAD compares: African/African-American, 0.0069%; no homozygotes.

Submission:

Labcorp Genetics (formerly Invitae), Labcorp
Classification: Uncertain significance. Last evaluated: 2022-02-24. Review status: criteria provided, single submitter. Criteria: Invitae Variant Classification Sherloc (09022015). Collection method: clinical testing. Allele origin: germline.
Comment: In summary, the available evidence is currently insufficient to determine the role of this variant in disease. Therefore, it has been classified as a Variant of Uncertain Significance. Advanced modeling of protein sequence and biophysical properties (such as structural, functional, and spatial information, amino acid conservation, physicochemical variation, residue mobility, and thermodynamic stability) performed at Invitae indicates that this missense variant is not expected to disrupt NEFH protein function. This sequence change replaces cysteine, which is neutral and slightly polar, with tyrosine, which is neutral and polar, at codon 265 of the NEFH protein (p.Cys265Tyr). This variant is present in population databases (no rsID available, gnomAD 0.004%). This variant has not been reported in the literature in individuals affected with NEFH-related conditions.